The following is an entry in ClinVar:

NM_000548.5(TSC2):c.4183C>A (p.Gln1395Lys)

Gene: TSC2 (TSC complex subunit 2; plus strand). Cytogenetic location: 16p13.3.
Variant type: single nucleotide variant.
Coding change: c.4183C>A on transcript NM_000548.5 (MANE Select); coding-DNA position 4183, C replaced by A.
Protein change: p.Gln1395Lys; replaces glutamine 1395 with lysine.
Molecular consequence: missense variant. On other transcripts: non-coding transcript variant (5).
Genome position (GRCh38, 1-based): chr16:2,084,405, C>A. VCF-style: chr16-2084405-C-A. GRCh37 (hg19) VCF-style: chr16-2134406-C-A.
Other names: c.3982C>A, p.Gln1328Lys (NM_001077183.3); c.4114C>A, p.Gln1372Lys (NM_001114382.3); c.3874C>A, p.Gln1292Lys (NM_001318827.2); c.3838C>A, p.Gln1280Lys (NM_001318829.2); c.3451C>A, p.Gln1151Lys (NM_001318831.2); c.4015C>A, p.Gln1339Lys (NM_001318832.2); c.3985C>A, p.Gln1329Lys (NM_001363528.2); c.4051C>A, p.Gln1351Lys (NM_001370404.1); and 26 more; short protein forms Q1151K, Q1175K, Q1279K, Q1324K, Q1359K, Q880K, Q881K, Q924K.
Identifiers: ClinVar variation 5031335 (VCV005031335.1).

ClinVar aggregate classification (germline): Uncertain significance (1 of 4 stars; one submission).

Conditions:
Hereditary cancer-predisposing syndrome. Also called: Neoplastic Syndromes, Hereditary; Tumor predisposition; Hereditary neoplastic syndrome; Hereditary Cancer Syndrome. Identifiers: Orphanet 140162, MedGen C0027672, MeSH D009386, MONDO:0015356.

Submission:

Ambry Genetics
Classification: Uncertain significance for Hereditary cancer-predisposing syndrome. Last evaluated: 2026-07-06. Review status: criteria provided, single submitter. Criteria: Ambry Variant Classification Scheme 2023. Collection method: clinical testing. Allele origin: germline.
Comment: The p.Q1395K variant (also known as c.4183C>A), located in coding exon 33 of the TSC2 gene, results from a C to A substitution at nucleotide position 4183. The glutamine at codon 1395 is replaced by lysine, an amino acid with similar properties. This amino acid position is conserved. In addition, the in silico prediction for this alteration is inconclusive. Based on the available evidence, the clinical significance of this variant remains unclear.